The following is an entry in ClinVar:

NM_001370348.2(PHF3):c.852A>G (p.Pro284=)

Gene: PHF3 (PHD finger protein 3; plus strand). Cytogenetic location: 6q12.
Variant type: single nucleotide variant.
Coding change: c.852A>G on transcript NM_001370348.2 (MANE Select); coding-DNA position 852, A replaced by G.
Protein change: p.Pro284=; no amino-acid change (proline 284 retained).
Molecular consequence: synonymous variant. On other transcripts: intron variant (1).
Genome position (GRCh38, 1-based): chr6:63,684,574, A>G. VCF-style: chr6-63684574-A-G. GRCh37 (hg19) VCF-style: chr6-64394475-A-G.
Other names: c.588A>G, p.Pro196= (NM_001370349.2, NM_001290259.2); c.852A>G, p.Pro284= (NM_015153.4, NM_001290260.2); c.-5+4413A>G (NM_001370350.2).
Identifiers: ClinVar variation 3035517 (VCV003035517.8), dbSNP rs41271583, ClinGen allele CA3875588.

ClinVar aggregate classification (germline): Likely benign. Review status: criteria provided, single submitter (1 of 4 stars). 2 submissions from 2 submitters: Likely benign (1). 1 of the submissions does not count toward it. Last evaluated 2026-07-01.

Conditions:
PHF3-related disorder. Also called: PHF3-related condition.

Allele frequency attached by ClinVar (database versions not stated): TOPMed 0.00124; gnomAD 0.00127; ESP Exome Variant Server 0.00154; 1000 Genomes Project 30x 0.00187; ExAC 0.00213; 1000 Genomes Project 0.00220; gnomAD exomes 0.00258.
gnomAD v4.1: 3,942 of 1,614,018 alleles (0.24%); highest among the groups gnomAD compares: South Asian, 0.84%; 14 homozygotes.

Submissions (2):

CeGaT Center for Human Genetics Tuebingen
Classification: Likely benign. Last evaluated: 2026-07-01. Review status: criteria provided, single submitter. Criteria: CeGaT Center For Human Genetics Tuebingen Variant Classification Criteria Version 2. Collection method: clinical testing. Allele origin: germline. Affected: yes. Observed: 3 variant alleles.
Comment: PHF3: BP4, BP7, BS2

PreventionGenetics, part of Exact Sciences
Classification: Likely benign for PHF3-related condition. Last evaluated: 2023-12-18. Review status: no assertion criteria provided. Collection method: clinical testing. Allele origin: germline. Not counted in ClinVar's aggregate classification.
Comment: This variant is classified as likely benign based on ACMG/AMP sequence variant interpretation guidelines (Richards et al. 2015 PMID: 25741868, with internal and published modifications).